The following is an entry in ClinVar:

ClinVar aggregate classification (germline): Uncertain significance (1 of 4 stars; one submission).

Submission:

GeneDx
Classification: Uncertain significance. Last evaluated: 2023-12-15. Review status: criteria provided, single submitter. Criteria: GeneDx Variant Classification Process June 2021. Collection method: clinical testing. Allele origin: germline. Affected: yes.
Comment: Has not been previously published as pathogenic or benign to our knowledge; Not observed at significant frequency in large population cohorts (gnomAD); In silico analysis supports that this missense variant has a deleterious effect on protein structure/function; Variants in candidate genes are classified as variants of uncertain significance in accordance with ACMG guidelines (PMID: 25741868)

NM_001711.6(BGN):c.444C>A (p.Asn148Lys)

Gene: BGN (biglycan; plus strand). Cytogenetic location: Xq28.
Variant type: single nucleotide variant.
Coding change: c.444C>A on transcript NM_001711.6 (MANE Select); coding-DNA position 444, C replaced by A.
Protein change: p.Asn148Lys; replaces asparagine 148 with lysine.
Molecular consequence: missense variant.
Genome position (GRCh38, 1-based): chrX:153,505,955, C>A. VCF-style: chrX-153505955-C-A. GRCh37 (hg19) VCF-style: chrX-152771413-C-A.
Other names: short protein forms N148K.
Identifiers: ClinVar variation 4527025 (VCV004527025.1).